The following is an entry in ClinVar:

ClinVar aggregate classification (germline): Uncertain significance. Review status: criteria provided, multiple submitters, no conflicts (2 of 4 stars). 2 submissions from 2 submitters: Uncertain significance (2). Last evaluated 2022-05-27.

Allele frequency attached by ClinVar (database versions not stated): ExAC 0.00013; gnomAD exomes 0.00016 and 0.00012; TOPMed 0.00003; gnomAD 0.00004; ESP Exome Variant Server 0.00008.
gnomAD v4.1: 237 of 1,613,826 alleles (0.015%); highest among the groups gnomAD compares: South Asian, 0.031%; no homozygotes.

Submissions (2):

Labcorp Genetics (formerly Invitae), Labcorp
Classification: Uncertain significance. Last evaluated: 2022-05-27. Review status: criteria provided, single submitter. Criteria: Invitae Variant Classification Sherloc (09022015). Collection method: clinical testing. Allele origin: germline.
Comment: This sequence change replaces glutamic acid, which is acidic and polar, with lysine, which is basic and polar, at codon 2025 of the ANK3 protein (p.Glu2025Lys). This variant is present in population databases (rs368843645, gnomAD 0.02%). This variant has not been reported in the literature in individuals affected with ANK3-related conditions. ClinVar contains an entry for this variant (Variation ID: 210166). Algorithms developed to predict the effect of missense changes on protein structure and function are either unavailable or do not agree on the potential impact of this missense change (SIFT: "Not Available"; PolyPhen-2: "Benign"; Align-GVGD: "Not Available"). In summary, the available evidence is currently insufficient to determine the role of this variant in disease. Therefore, it has been classified as a Variant of Uncertain Significance.

Genetic Services Laboratory, University of Chicago
Classification: Uncertain significance. Last evaluated: 2014-12-16. Review status: criteria provided, single submitter. Criteria: ACMG Guidelines, 2015. Collection method: clinical testing. Allele origin: germline.

NM_020987.5(ANK3):c.6073G>A (p.Glu2025Lys)

Gene: ANK3 (ankyrin 3; minus strand). Cytogenetic location: 10q21.2.
Variant type: single nucleotide variant.
Coding change: c.6073G>A on transcript NM_020987.5 (MANE Select); coding-DNA position 6073, G replaced by A.
Protein change: p.Glu2025Lys; replaces glutamic acid 2025 with lysine.
Molecular consequence: missense variant. On other transcripts: intron variant (4).
Genome position (GRCh38, 1-based): chr10:60,074,808, C>T on the plus strand (G>A on the coding strand, the complement: ANK3 is on the minus strand). VCF-style: chr10-60074808-C-T. GRCh37 (hg19) VCF-style: chr10-61834566-C-T.
Other names: c.4387+5729G>A (NM_001204403.2); c.4408+5729G>A (NM_001204404.2); c.4405+5729G>A (NM_001320874.2); c.1807+5729G>A (NM_001149.4); short protein forms E2025K.
Identifiers: ClinVar variation 210166 (VCV000210166.9), dbSNP rs368843645, ClinGen allele CA207521.
Genomic context (GRCh38, chr10:60,074,808, plus strand): 5'-AACTACTCCCAATATCATTTGTTAGGTAATCAATAACTTTGGTCAAGTTATAATCCTTTT[C>T]GGAGGCGGCTTTTGCTTTTACTTGCACTCTCTCTGGCAGAGATGGAGACTGGCTCGCAGC-3'
Protein context (NP_066267.2, residues 2015-2035): RVQVKAKAAS[Glu2025Lys]KDYNLTKVID